The following is an entry in ClinVar:

ClinVar aggregate classification (germline): Likely pathogenic (0 of 4 stars; one submission).

Conditions:
FOXE3-related disorder. Also called: FOXE3-related condition.

Submission:

PreventionGenetics, part of Exact Sciences
Classification: Likely pathogenic for FOXE3-related condition. Last evaluated: 2023-12-27. Review status: no assertion criteria provided. Collection method: clinical testing. Allele origin: germline.
Comment: The FOXE3 c.456dupA variant is predicted to result in a frameshift and premature protein termination (p.Asp153Argfs*132). To our knowledge, this variant has not been reported in the literature or in a large population database, indicating this variant is rare. Frameshift variants in FOXE3 are expected to be pathogenic. Therefore we interpret c.456dup (p.Asp153Argfs*132) as likely pathogenic.

NM_012186.3(FOXE3):c.456dup (p.Asp153fs)

Genes: FOXE3 (forkhead box E3; plus strand), LINC01389 (long intergenic non-protein coding RNA 1389; minus strand). Cytogenetic location: 1p33.
Variant type: Duplication.
Coding change: c.456dup on transcript NM_012186.3 (MANE Select); coding-DNA position 456, one base duplicated (A; older notation c.456dupA).
Protein change: p.Asp153fs; shifts the reading frame from aspartic acid 153.
Molecular consequence: frameshift variant.
Genome position (GRCh38, 1-based): chr1:47,416,771, A duplicated. VCF-style (leftmost placement, unchanged base first): chr1-47416770-C-CA. GRCh37 (hg19) VCF-style: chr1-47882442-C-CA.
Other names: short protein forms D153fs.
Identifiers: ClinVar variation 2632844 (VCV002632844.3), dbSNP rs2521318388, ClinGen allele CA2695198030.
Genomic context (GRCh38, chr1:47,416,770, plus strand): 5'-TGCCCCGCGAGCCGGGCAACCCGGGCAAGGGCAACTACTGGACGCTGGACCCCGCGGCCG[C>CA]AGACATGTTCGACAACGGCAGCTTCCTGCGGCGCCGCAAGCGCTTCAAGCGCGCCGAGCT-3'